The following is an entry in ClinVar:

ClinVar aggregate classification (germline): Benign (1 of 4 stars; one submission).

Conditions:
Leigh syndrome (NULS). Also called: Leigh's necrotizing encephalopathy; Leigh's disease; Leigh Syndrome (mtDNA deletion); Leigh Disease; Subacute necrotizing encephalopathy; Necrotizing encephalopathy infantile subacute of Leigh. Identifiers: Orphanet 506, MedGen C2931891, MONDO:0009723, OMIM 256000.

Submission:

Wong Mito Lab, Molecular and Human Genetics, Baylor College of Medicine
Classification: Benign for Leigh syndrome. Last evaluated: 2019-10-17. Review status: criteria provided, single submitter. Criteria: Modified ACMG Guidelines (Unpublished). Collection method: clinical testing. Allele origin: germline.
Comment: The NC_012920.1:m.9921G>A (YP_003024032.1:p.Ala239Thr) variant in MTCO3 gene is interpretated to be a Benign variant based on the modified ACMG guidelines (unpublished). This variant meets the following evidence codes: BS1, BS4, BP4

NC_012920.1(MT-CO3):m.9921G>A

Gene: MT-CO3 (mitochondrially encoded cytochrome c oxidase III; plus strand).
Variant type: single nucleotide variant.
Genome position: chrM-9921-G-A.
Identifiers: ClinVar variation 693248 (VCV000693248.1), dbSNP rs1556423740, ClinGen allele CA414804009.
Genomic context (GRCh38, chrMT:9,921, plus strand): 5'-TTCATCCGCCAACTAATATTTCACTTTACATCCAAACATCACTTTGGCTTCGAAGCCGCC[G>A]CCTGATACTGGCATTTTGTAGATGTGGTTTGACTATTTCTGTATGTCTCCATCTATTGAT-3'